The following is an entry in ClinVar:

ClinVar aggregate classification (germline): Uncertain significance. Review status: criteria provided, multiple submitters, no conflicts (2 of 4 stars). 3 submissions from 3 submitters: Uncertain significance (3). Last evaluated 2025-08-13.

Allele frequency attached by ClinVar (database versions not stated): gnomAD 0.00001; 1000 Genomes Project 30x 0.00016; TOPMed 0.00003; ExAC 0.00014; 1000 Genomes Project 0.00020.
gnomAD v4.1: 55 of 1,475,878 alleles (0.0037%); highest among the groups gnomAD compares: Non-Finnish European, 0.0046%; no homozygotes.

Submissions (3):

Mayo Clinic Laboratories, Mayo Clinic
Classification: Uncertain significance. Last evaluated: 2025-08-13. Review status: criteria provided, single submitter. Criteria: ACMG Guidelines, 2015. Collection method: clinical testing. Allele origin: germline. Observed: 1 variant allele.
Comment: BP4, PM2_supporting

Ambry Genetics
Classification: Uncertain significance. Last evaluated: 2023-06-21. Review status: criteria provided, single submitter. Criteria: Ambry Variant Classification Scheme 2023. Collection method: clinical testing. Allele origin: germline.

Labcorp Genetics (formerly Invitae), Labcorp
Classification: Uncertain significance. Last evaluated: 2022-05-01. Review status: criteria provided, single submitter. Criteria: Invitae Variant Classification Sherloc (09022015). Collection method: clinical testing. Allele origin: germline.
Comment: This sequence change replaces alanine, which is neutral and non-polar, with valine, which is neutral and non-polar, at codon 1291 of the SBF1 protein (p.Ala1291Val). The frequency data for this variant in the population databases is considered unreliable, as metrics indicate poor data quality at this position in the gnomAD database. This variant has not been reported in the literature in individuals affected with SBF1-related conditions. Algorithms developed to predict the effect of missense changes on protein structure and function (SIFT, PolyPhen-2, Align-GVGD) all suggest that this variant is likely to be tolerated. In summary, the available evidence is currently insufficient to determine the role of this variant in disease. Therefore, it has been classified as a Variant of Uncertain Significance.

NM_002972.4(SBF1):c.3872C>T (p.Ala1291Val)

Gene: SBF1 (SET binding factor 1; minus strand). Cytogenetic location: 22q13.33.
Variant type: single nucleotide variant.
Coding change: c.3872C>T on transcript NM_002972.4 (MANE Select); coding-DNA position 3872, C replaced by T.
Protein change: p.Ala1291Val; replaces alanine 1291 with valine.
Molecular consequence: missense variant. On other transcripts: intron variant (1).
Genome position (GRCh38, 1-based): chr22:50,457,066, G>A on the plus strand (C>T on the coding strand, the complement: SBF1 is on the minus strand). VCF-style: chr22-50457066-G-A. GRCh37 (hg19) VCF-style: chr22-50895495-G-A.
Other names: p.Ala1291Val; c.3875C>T, p.Ala1292Val (NM_001410794.1); c.3872C>T, p.Ala1291Val (NM_197971.1); c.3830-393C>T (NM_001365819.1); c.3872C>T (NM_002972.2); short protein forms A1292V, A1291V.
Identifiers: ClinVar variation 2167306 (VCV002167306.5), dbSNP rs558503306, ClinGen allele CA10316514.